The following is an entry in ClinVar:

NM_002282.3(KRT83):c.1018G>A (p.Glu340Lys)

Gene: KRT83 (keratin 83; minus strand). Cytogenetic location: 12q13.13.
Variant type: single nucleotide variant.
Coding change: c.1018G>A on transcript NM_002282.3 (MANE Select); coding-DNA position 1018, G replaced by A.
Protein change: p.Glu340Lys; replaces glutamic acid 340 with lysine.
Molecular consequence: missense variant.
Genome position (GRCh38, 1-based): chr12:52,316,491, C>T on the plus strand (G>A on the coding strand, the complement: KRT83 is on the minus strand). VCF-style: chr12-52316491-C-T. GRCh37 (hg19) VCF-style: chr12-52710275-C-T.
Other names: short protein forms E340K.
Identifiers: ClinVar variation 309508 (VCV000309508.7), dbSNP rs553152302, ClinGen allele CA6577430.
Genomic context (GRCh38, chr12:52,316,491, plus strand): 5'-CTCTTCCTACACTGAGGGGTGGGCCGGGCTCTGGTACCTGGCACTTGGCATTCTCCACCT[C>T]GGCTGTCAGCCTCTGGATCATGCGGTTCAGCTCGTTGATCTCCTCCTTGGTGCGGCGCAG-3'
Protein context (NP_002273.3, residues 330-350): LNRMIQRLTA[Glu340Lys]VENAKCQNSK

ClinVar aggregate classification (germline): Conflicting classifications of pathogenicity. Review status: criteria provided, conflicting classifications (1 of 4 stars). 2 submissions from 2 submitters: Uncertain significance (1); Likely benign (1). Last evaluated 2023-12-18.

Conditions:
Monilethrix. Also called: Beaded hair. Identifiers: Orphanet 573, MedGen C0546966, MONDO:0008009, HP:0032470.

Allele frequency attached by ClinVar (database versions not stated): ExAC 0.00004; gnomAD 0.00017; gnomAD exomes 0.00004 and 0.00002; TOPMed 0.00022; 1000 Genomes Project 0.00020; 1000 Genomes Project 30x 0.00031.
gnomAD v4.1: 66 of 1,614,140 alleles (0.0041%); highest among the groups gnomAD compares: African/African-American, 0.028%; no homozygotes.

Submissions (2):

Ambry Genetics
Classification: Uncertain significance. Last evaluated: 2023-12-18. Review status: criteria provided, single submitter. Criteria: Ambry Variant Classification Scheme 2023. Collection method: clinical testing. Allele origin: germline.

Illumina Laboratory Services, Illumina
Classification: Likely benign for MONILETHRIX 1. Last evaluated: 2018-01-13. Review status: criteria provided, single submitter. Criteria: ICSL Variant Classification Criteria 13 December 2019. Collection method: clinical testing. Allele origin: germline.
Comment: This variant was observed in the ICSL laboratory as part of a predisposition screen in an ostensibly healthy population. It had not been previously curated by ICSL or reported in the Human Gene Mutation Database (HGMD: prior to June 1st, 2018), and was therefore a candidate for classification through an automated scoring system. Utilizing variant allele frequency, disease prevalence and penetrance estimates, and inheritance mode, an automated score was calculated to assess if this variant is too frequent to cause the disease. Based on the score and internal cut-off values, a variant classified as likely benign is not then subjected to further curation. The score for this variant resulted in a classification of likely benign for this disease.